The following is an entry in ClinVar:

ClinVar aggregate classification (germline): Pathogenic (1 of 4 stars; one submission).

Conditions:
Inborn genetic diseases. Identifiers: MedGen C0950123, MeSH D030342.

Submission:

Ambry Genetics
Classification: Pathogenic for Inborn genetic diseases. Last evaluated: 2024-06-12. Review status: criteria provided, single submitter. Criteria: Ambry Variant Classification Scheme 2023. Collection method: clinical testing. Allele origin: germline.
Comment: The c.968_969insA (p.I324Hfs*35) alteration, located in exon 9 (coding exon 8) of the SPTBN1 gene, consists of an insertion of A at position 968, causing a translational frameshift with a predicted alternate stop codon after 35 amino acids. This alteration is expected to result in loss of function by premature protein truncation or nonsense-mediated mRNA decay. This variant was not reported in population-based cohorts in the Genome Aggregation Database (gnomAD). Based on the available evidence, this alteration is classified as pathogenic.

NM_003128.3(SPTBN1):c.968_969insA (p.Ile324fs)

Gene: SPTBN1 (spectrin beta, non-erythrocytic 1; plus strand). Cytogenetic location: 2p16.2.
Variant type: Insertion.
Coding change: c.968_969insA on transcript NM_003128.3 (MANE Select); coding-DNA positions 968 to 969, A inserted.
Protein change: p.Ile324fs; shifts the reading frame from isoleucine 324.
Molecular consequence: frameshift variant.
Genome position: GRCh38 VCF-style: chr2-54622391-T-TA. GRCh37 (hg19) VCF-style: chr2-54849528-T-TA.
Other names: c.929_930insA, p.Ile311fs (NM_178313.3); short protein forms I324fs, I311fs.
Identifiers: ClinVar variation 3322435 (VCV003322435.1).